The following is an entry in ClinVar:

NM_001182.5(ALDH7A1):c.376C>T (p.Gln126Ter)

Gene: ALDH7A1 (aldehyde dehydrogenase 7 family member A1; minus strand). Cytogenetic location: 5q23.2.
Variant type: single nucleotide variant.
Coding change: c.376C>T on transcript NM_001182.5 (MANE Select); coding-DNA position 376, C replaced by T.
Protein change: p.Gln126Ter; replaces glutamine 126 with a stop codon.
Molecular consequence: nonsense.
Genome position (GRCh38, 1-based): chr5:126,583,949, G>A on the plus strand (C>T on the coding strand, the complement: ALDH7A1 is on the minus strand). VCF-style: chr5-126583949-G-A. GRCh37 (hg19) VCF-style: chr5-125919641-G-A.
Other names: c.292C>T, p.Gln98Ter (NM_001201377.2); c.376C>T, p.Gln126Ter (NM_001202404.2); short protein forms Q126*, Q98*.
Identifiers: ClinVar variation 1300418 (VCV001300418.2), dbSNP rs2112804365, ClinGen allele CA360732013.

ClinVar aggregate classification (germline): Pathogenic (1 of 4 stars; one submission).

Allele frequency attached by ClinVar (database versions not stated): gnomAD exomes below 0.00001.
gnomAD v4.1: 1 of 1,613,834 alleles (0.000062%); highest among the groups gnomAD compares: Non-Finnish European, 0.000085%; no homozygotes.

Submission:

GeneDx
Classification: Pathogenic. Last evaluated: 2022-12-13. Review status: criteria provided, single submitter. Criteria: GeneDx Variant Classification Process June 2021. Collection method: clinical testing. Allele origin: germline. Affected: yes.
Comment: Nonsense variant predicted to result in protein truncation or nonsense mediated decay in a gene for which loss-of-function is a known mechanism of disease; Not observed at significant frequency in large population cohorts (gnomAD); Has not been previously published as pathogenic or benign to our knowledge